The following is an entry in ClinVar:

ClinVar aggregate classification (germline): Uncertain significance (1 of 4 stars; one submission).

Conditions:
Inborn genetic diseases. Identifiers: MedGen C0950123, MeSH D030342.

gnomAD v4.1: 7 of 1,614,100 alleles (0.00043%); highest among the groups gnomAD compares: South Asian, 0.0033%; no homozygotes.

Submission:

Ambry Genetics
Classification: Uncertain significance for Inborn genetic diseases. Last evaluated: 2025-11-07. Review status: criteria provided, single submitter. Criteria: Ambry Variant Classification Scheme 2023. Collection method: clinical testing. Allele origin: germline.
Comment: The p.R74C variant (also known as c.220C>T), located in coding exon 2 of the HAX1 gene, results from a C to T substitution at nucleotide position 220. The arginine at codon 74 is replaced by cysteine, an amino acid with highly dissimilar properties. This amino acid position is conserved. In addition, this alteration is predicted to be tolerated by in silico analysis. Based on the available evidence, the clinical significance of this variant remains unclear.

NM_006118.4(HAX1):c.220C>T (p.Arg74Cys)

Gene: HAX1 (HCLS1 associated protein X-1; plus strand). Cytogenetic location: 1q21.3.
Variant type: single nucleotide variant.
Coding change: c.220C>T on transcript NM_006118.4 (MANE Select); coding-DNA position 220, C replaced by T.
Protein change: p.Arg74Cys; replaces arginine 74 with cysteine.
Molecular consequence: missense variant.
Genome position (GRCh38, 1-based): chr1:154,273,502, C>T. VCF-style: chr1-154273502-C-T. GRCh37 (hg19) VCF-style: chr1-154245978-C-T.
Other names: c.76C>T, p.Arg26Cys (NM_001018837.2); short protein forms R74C, R26C.
Identifiers: ClinVar variation 4621337 (VCV004621337.1).